The following is an entry in ClinVar:

NM_000043.6(FAS):c.676+1G>T

Gene: FAS (Fas cell surface death receptor; plus strand). Cytogenetic location: 10q23.31.
Variant type: single nucleotide variant.
Coding change: c.676+1G>T on transcript NM_000043.6 (MANE Select); the canonical splice donor site of the intron after coding-DNA position 676, G replaced by T.
Molecular consequence: splice donor variant. On other transcripts: intron variant (1).
Genome position (GRCh38, 1-based): chr10:89,013,368, G>T. VCF-style: chr10-89013368-G-T. GRCh37 (hg19) VCF-style: chr10-90773125-G-T.
Other names: c.652-751G>T (NM_152872.4); c.593+1G>T (NM_001320619.2); c.613+1G>T (NM_152871.4); c.721+1G>T (NM_001410956.1).
Identifiers: ClinVar variation 1070181 (VCV001070181.7), dbSNP rs1589488640, ClinGen allele CA377509467.

ClinVar aggregate classification (germline): Pathogenic (1 of 4 stars; one submission).

Conditions:
Autoimmune lymphoproliferative syndrome type 1. Also called: AUTOIMMUNE LYMPHOPROLIFERATIVE SYNDROME, TYPE I, AUTOSOMAL DOMINANT. Identifiers: Orphanet 3261, MedGen C2717884, MONDO:0011158, OMIM 601859.

Submission:

Labcorp Genetics (formerly Invitae), Labcorp
Classification: Pathogenic for Autoimmune lymphoproliferative syndrome. Last evaluated: 2020-08-26. Review status: criteria provided, single submitter. Criteria: Invitae Variant Classification Sherloc (09022015). Collection method: clinical testing. Allele origin: germline.
Comment: This sequence change affects a donor splice site in the last intron (intron 8) of the FAS gene. While this is not anticipated to result in nonsense mediated decay, it likely alters RNA splicing and results in a disrupted protein product. This variant is not present in population databases (ExAC no frequency). Disruption of this splice site has been observed in individual(s) with autoimmune lymphoproliferative syndrome (PMID: 22237435, 10515860). Nucleotide substitutions within the consensus splice site are a relatively common cause of aberrant splicing (PMID: 17576681, 9536098). Experimental studies have shown that this variant disrupts mRNA splicing (PMID: 10515860, 22237435). For these reasons, this variant has been classified as Pathogenic.

Literature cited by the submitters: PubMed 22237435; PubMed 10515860; PubMed 17576681; PubMed 9536098.